The following is an entry in ClinVar:

NM_024312.5(GNPTAB):c.1492G>T (p.Gly498Ter)

Gene: GNPTAB (N-acetylglucosamine-1-phosphate transferase subunits alpha and beta; minus strand). Cytogenetic location: 12q23.2.
Variant type: single nucleotide variant.
Coding change: c.1492G>T on transcript NM_024312.5 (MANE Select); coding-DNA position 1492, G replaced by T.
Protein change: p.Gly498Ter; replaces glycine 498 with a stop codon.
Molecular consequence: nonsense.
Genome position (GRCh38, 1-based): chr12:101,766,211, C>A on the plus strand (G>T on the coding strand, the complement: GNPTAB is on the minus strand). VCF-style: chr12-101766211-C-A. GRCh37 (hg19) VCF-style: chr12-102159989-C-A.
Other names: short protein forms G498*.
Identifiers: ClinVar variation 984022 (VCV000984022.4), dbSNP rs1953090856, ClinGen allele CA386301289.

ClinVar aggregate classification (germline): Likely pathogenic (1 of 4 stars; one submission).

Conditions:
GNPTAB-mucolipidosis. Also called: UDP-N-acetylglucosamine-1-phosphotransferase subunit alpha/beta deficiency. Identifiers: MedGen CN322573, MONDO:0100122.

Submission:

Myriad Genetics, Inc.
Classification: Likely pathogenic for GNPTAB-mucolipidosis. Last evaluated: 2019-12-28. Review status: criteria provided, single submitter. Criteria: Myriad Autosomal Dominant, Autosomal Recessive and X-Linked Classification Criteria (2023). Collection method: clinical testing. Allele origin: unknown.
Comment: NM_024312.4(GNPTAB):c.1492G>T(G498*) is expected to be pathogenic in the context of GNPTAB-related disorders. This variant is predicted to lead to an abnormal or absent protein product due to the creation of a premature termination codon in GNPTAB, a gene where loss-of-function variants are known to be pathogenic. Please note: this variant was assessed in the context of healthy population screening.